The following is an entry in ClinVar:

NM_000215.4(JAK3):c.1928_1932dup (p.His645fs)

Gene: JAK3 (Janus kinase 3; minus strand). Cytogenetic location: 19p13.11.
Variant type: Duplication.
Coding change: c.1928_1932dup on transcript NM_000215.4 (MANE Select); coding-DNA positions 1928 to 1932, 5 bases duplicated (TGCCC; older notation c.1928_1932dupTGCCC).
Protein change: p.His645fs; shifts the reading frame from histidine 645.
Molecular consequence: frameshift variant.
Genome position (GRCh38, 1-based): chr19:17,835,198-17,835,202, GGGCA duplicated on the plus strand (TGCCC on the coding strand, the reverse complement: JAK3 is on the minus strand); duplicating any 5 consecutive bases within chr19:17,835,198-17,835,204 gives the same sequence; the c. name uses the placement nearest the transcript's 3' end. VCF-style (leftmost placement, unchanged base first): chr19-17835197-G-GGGGCA. GRCh37 (hg19) VCF-style: chr19-17946006-G-GGGGCA.
Other names: c.1928_1932dup, p.His645fs (NM_001440439.1); short protein forms H645fs.
Identifiers: ClinVar variation 4850396 (VCV004850396.1).
Genomic context (GRCh38, chr19:17,835,197, plus strand): 5'-GCGGGCTCCCATCAGCCCCCTCCCGAGCCAGGAGCACCTTCCGGGCAGAGACATTGCCAT[G>GGGGCA]GGGCAGGCCTTTGTCCTCCTAAGGGGGCCAGACACAGGAAAATGCCCGGGAGGGTTTGAT-3'

ClinVar aggregate classification (germline): Likely pathogenic (1 of 4 stars; one submission).

Conditions:
T-B+ severe combined immunodeficiency due to JAK3 deficiency. Also called: SCID, T CELL-NEGATIVE, B CELL-POSITIVE, NK CELL-NEGATIVE; SCID, autosomal recessive, T-negative/B-positive type. Identifiers: Orphanet 35078, MedGen C1833275, MONDO:0010938, OMIM 600802.

Submission:

First Genomix Gene Laboratory, Genetic Diagnostics Department
Classification: Likely pathogenic for T-B+ severe combined immunodeficiency due to JAK3 deficiency. Last evaluated: 2025-09-17. Review status: criteria provided, single submitter. Criteria: ACMG Guidelines, 2015. Collection method: clinical testing. Allele origin: germline. Inheritance: Autosomal recessive inheritance. Affected: no. Observed: 1 variant allele.